The following is an entry in ClinVar:

ClinVar aggregate classification (germline): Uncertain significance (1 of 4 stars; one submission).

Submission:

GeneDx
Classification: Uncertain significance. Last evaluated: 2026-01-26. Review status: criteria provided, single submitter. Criteria: GeneDx Variant Classification Process June 2021. Collection method: clinical testing. Allele origin: germline.
Comment: Not observed at significant frequency in large population cohorts (gnomAD); In silico analysis supports that this missense variant has a deleterious effect on protein structure/function; Has not been previously published as pathogenic or benign to our knowledge

NM_001206998.2(ZNRF3):c.890T>G (p.Leu297Arg)

Gene: ZNRF3 (zinc and ring finger 3; plus strand). Cytogenetic location: 22q12.1.
Variant type: single nucleotide variant.
Coding change: c.890T>G on transcript NM_001206998.2 (MANE Select); coding-DNA position 890, T replaced by G.
Protein change: p.Leu297Arg; replaces leucine 297 with arginine.
Molecular consequence: missense variant.
Genome position (GRCh38, 1-based): chr22:29,046,861, T>G. VCF-style: chr22-29046861-T-G. GRCh37 (hg19) VCF-style: chr22-29442849-T-G.
Other names: c.590T>G, p.Leu197Arg (NM_032173.4); short protein forms L197R, L297R.
Identifiers: ClinVar variation 4975656 (VCV004975656.1).
Genomic context (GRCh38, chr22:29,046,861, plus strand): 5'-GGAGCTGTGGGGCCCTGGACACACTCAGCAGCAGCTCCACGTCCGACTGTGCCATCTGTC[T>G]GGAGAAGTACATTGATGGAGAGGTAATGGCAGAAGCAGGCCCGTCCTGGGTGGGGAAAAC-3'
Protein context (NP_001193927.1, residues 287-307): SSSTSDCAIC[Leu297Arg]EKYIDGEELR